The following is an entry in ClinVar:

ClinVar aggregate classification (germline): Uncertain significance. Review status: criteria provided, multiple submitters, no conflicts (2 of 4 stars). 2 submissions from 2 submitters: Uncertain significance (2). Last evaluated 2024-10-12.

Conditions:
Hereditary cancer-predisposing syndrome. Also called: Tumor predisposition; Hereditary neoplastic syndrome; Neoplastic Syndromes, Hereditary; Hereditary Cancer Syndrome. Identifiers: Orphanet 140162, MedGen C0027672, MeSH D009386, MONDO:0015356.
Mitochondrial complex II deficiency, nuclear type 1. Also called: SUCCINATE CoQ REDUCTASE DEFICIENCY. Identifiers: Orphanet 3208, MedGen C5700310, MONDO:0100294, OMIM 252011.
Pheochromocytoma/paraganglioma syndrome 5. Also called: Paragangliomas 5; SDHA-Related Hereditary Paraganglioma-Pheochromocytoma Syndrome. Identifiers: Orphanet 29072, MedGen C3279992, MONDO:0013602, OMIM 614165.

Submissions (2):

Labcorp Genetics (formerly Invitae), Labcorp
Classification: Uncertain significance for Pheochromocytoma/paraganglioma syndrome 5; Mitochondrial complex II deficiency, nuclear type 1. Last evaluated: 2024-10-12. Review status: criteria provided, single submitter. Criteria: Invitae Variant Classification Sherloc (09022015). Collection method: clinical testing. Allele origin: germline.
Comment: This sequence change replaces aspartic acid, which is acidic and polar, with alanine, which is neutral and non-polar, at codon 653 of the SDHA protein (p.Asp653Ala). This variant is not present in population databases (gnomAD no frequency). This variant has not been reported in the literature in individuals affected with SDHA-related conditions. ClinVar contains an entry for this variant (Variation ID: 1057154). Invitae Evidence Modeling of protein sequence and biophysical properties (such as structural, functional, and spatial information, amino acid conservation, physicochemical variation, residue mobility, and thermodynamic stability) indicates that this missense variant is not expected to disrupt SDHA protein function with a negative predictive value of 95%. In summary, the available evidence is currently insufficient to determine the role of this variant in disease. Therefore, it has been classified as a Variant of Uncertain Significance.

Ambry Genetics
Classification: Uncertain significance for Hereditary cancer-predisposing syndrome. Last evaluated: 2024-01-31. Review status: criteria provided, single submitter. Criteria: Ambry Variant Classification Scheme 2023. Collection method: clinical testing. Allele origin: germline.
Comment: The p.D653A variant (also known as c.1958A>C), located in coding exon 15 of the SDHA gene, results from an A to C substitution at nucleotide position 1958. The aspartic acid at codon 653 is replaced by alanine, an amino acid with dissimilar properties. This amino acid position is well conserved in available vertebrate species. In addition, the in silico prediction for this alteration is inconclusive. Based on the available evidence, the clinical significance of this alteration remains unclear.

NM_004168.4(SDHA):c.1958A>C (p.Asp653Ala)

Gene: SDHA (succinate dehydrogenase complex flavoprotein subunit A; plus strand). Cytogenetic location: 5p15.33.
Variant type: single nucleotide variant.
Coding change: c.1958A>C on transcript NM_004168.4 (MANE Select); coding-DNA position 1958, A replaced by C.
Protein change: p.Asp653Ala; replaces aspartic acid 653 with alanine.
Molecular consequence: missense variant.
Genome position (GRCh38, 1-based): chr5:256,383, A>C. VCF-style: chr5-256383-A-C. GRCh37 (hg19) VCF-style: chr5-256498-A-C.
Other names: c.1958A>C (NM_004168.2); c.1814A>C, p.Asp605Ala (NM_001294332.2); c.1715A>C, p.Asp572Ala (NM_001330758.2); short protein forms D572A, D605A, D653A.
Identifiers: ClinVar variation 1057154 (VCV001057154.14), dbSNP rs1737190360, ClinGen allele CA359002971.